The following is an entry in ClinVar:

NM_017721.5(CC2D1A):c.139G>A (p.Glu47Lys)

Gene: CC2D1A (coiled-coil and C2 domain containing 1A; plus strand). Cytogenetic location: 19p13.12.
Variant type: single nucleotide variant.
Coding change: c.139G>A on transcript NM_017721.5 (MANE Select); coding-DNA position 139, G replaced by A.
Protein change: p.Glu47Lys; replaces glutamic acid 47 with lysine.
Molecular consequence: missense variant.
Genome position (GRCh38, 1-based): chr19:13,909,901, G>A. VCF-style: chr19-13909901-G-A. GRCh37 (hg19) VCF-style: chr19-14020714-G-A.
Other names: c.139G>A, p.Glu47Lys (NM_001411138.1); short protein forms E47K.
Identifiers: ClinVar variation 3390544 (VCV003390544.1).

ClinVar aggregate classification (germline): Uncertain significance (1 of 4 stars; one submission).

gnomAD v4.1: 1 of 1,558,306 alleles (0.000064%); highest among the groups gnomAD compares: Non-Finnish European, 0.000087%; no homozygotes.

Submission:

GeneDx
Classification: Uncertain significance. Last evaluated: 2024-06-14. Review status: criteria provided, single submitter. Criteria: GeneDx Variant Classification Process June 2021. Collection method: clinical testing. Allele origin: germline. Affected: yes.
Comment: Not observed at significant frequency in large population cohorts (gnomAD); In silico analysis supports that this missense variant has a deleterious effect on protein structure/function; Has not been previously published as pathogenic or benign to our knowledge